The following is an entry in ClinVar:

NM_001080421.3(UNC13A):c.1330A>G (p.Met444Val)

Gene: UNC13A (unc-13 homolog A; minus strand). Cytogenetic location: 19p13.11.
Variant type: single nucleotide variant.
Coding change: c.1330A>G on transcript NM_001080421.3 (MANE Select); coding-DNA position 1330, A replaced by G.
Protein change: p.Met444Val; replaces methionine 444 with valine.
Molecular consequence: missense variant.
Genome position (GRCh38, 1-based): chr19:17,655,336, T>C on the plus strand (A>G on the coding strand, the complement: UNC13A is on the minus strand). VCF-style: chr19-17655336-T-C. GRCh37 (hg19) VCF-style: chr19-17766145-T-C.
Other names: c.1330A>G, p.Met444Val (NM_001387021.1, NM_001387022.1, NM_001387023.1); short protein forms M444V.
Identifiers: ClinVar variation 1804490 (VCV001804490.1), dbSNP rs2513097445, ClinGen allele CA404733233.

ClinVar aggregate classification (germline): Uncertain significance (1 of 4 stars; one submission).

Submission:

GeneDx
Classification: Uncertain significance. Last evaluated: 2022-02-17. Review status: criteria provided, single submitter. Criteria: GeneDx Variant Classification Process June 2021. Collection method: clinical testing. Allele origin: germline. Affected: yes.
Comment: Variants in candidate genes are classified as variants of uncertain significance in accordance with ACMG guidelines (Richards et al., 2015); Not observed at significant frequency in large population cohorts (gnomAD); In silico analysis supports that this missense variant does not alter protein structure/function; Has not been previously published as pathogenic or benign to our knowledge